The following is an entry in ClinVar:

ClinVar aggregate classification (germline): Uncertain significance (1 of 4 stars; one submission).

Conditions:
INTS6-related disorder. Also called: INTS6-related condition.

Submission:

PreventionGenetics, part of Exact Sciences
Classification: Uncertain significance for INTS6-related condition. Last evaluated: 2025-01-31. Review status: criteria provided, single submitter. Criteria: ACMG Guidelines, 2015. Collection method: clinical testing. Allele origin: germline.
Comment: The INTS6 c.458delC variant is predicted to result in a frameshift and premature protein termination (p.Pro153Leufs*5). To our knowledge, this variant has not been reported in the literature or in a large population database (gnomAD), indicating this variant is rare. At this time, the clinical significance of this variant is uncertain due to the absence of conclusive functional and genetic evidence.

NM_012141.3(INTS6):c.458del (p.Pro153fs)

Gene: INTS6 (integrator complex subunit 6; minus strand). Cytogenetic location: 13q14.3.
Variant type: Deletion.
Coding change: c.458del on transcript NM_012141.3 (MANE Select); coding-DNA position 458, one base deleted (C; older notation c.458delC).
Protein change: p.Pro153fs; shifts the reading frame from proline 153.
Molecular consequence: frameshift variant. On other transcripts: 5 prime UTR variant (1).
Genome position (GRCh38, 1-based): chr13:51,395,455, G deleted on the plus strand (C on the coding strand, the reverse complement: INTS6 is on the minus strand); the first of 2 consecutive G bases (chr13:51,395,455-51,395,456); deleting either gives the same sequence. VCF-style (leftmost placement, unchanged base first): chr13-51395454-AG-A. GRCh37 (hg19) VCF-style: chr13-51969590-AG-A.
Other names: c.419del, p.Pro140fs (NM_001039937.2); c.-77del (NM_001306091.2); short protein forms P153fs, P140fs.
Identifiers: ClinVar variation 5001138 (VCV005001138.1).